The following is an entry in ClinVar:

NM_001243156.2(TAF1C):c.2289C>T (p.Pro763=)

Gene: TAF1C (TATA-box binding protein associated factor, RNA polymerase I subunit C; minus strand). Cytogenetic location: 16q24.1.
Variant type: single nucleotide variant.
Coding change: c.2289C>T on transcript NM_001243156.2 (MANE Select); coding-DNA position 2289, C replaced by T.
Protein change: p.Pro763=; no amino-acid change (proline 763 retained).
Molecular consequence: synonymous variant.
Genome position (GRCh38, 1-based): chr16:84,179,184, G>A on the plus strand (C>T on the coding strand, the complement: TAF1C is on the minus strand). VCF-style: chr16-84179184-G-A. GRCh37 (hg19) VCF-style: chr16-84212790-G-A.
Other names: c.1371C>T, p.Pro457= (NM_001243157.2, NM_001243158.2); c.1140C>T, p.Pro380= (NM_001243159.2); c.936C>T, p.Pro312= (NM_001243160.2); c.2367C>T, p.Pro789= (NM_005679.4); c.2085C>T, p.Pro695= (NM_139353.3).
Identifiers: ClinVar variation 2646908 (VCV002646908.24), dbSNP rs76848314, ClinGen allele CA8203320.
Genomic context (GRCh38, chr16:84,179,184, plus strand): 5'-TGATGGGACGCCCTGGGCGCATGCATCCGGAGTCAACTCCTGGGAGGGCGGGGTCGTGGG[G>A]GGCAGGGGCAGAGCATCAGCAGGTGGCCACTCAGGGCTATGAGGGGAGCTGGTGTCCTCT-3'
Protein context (NP_001230085.2, residues 753-773): EWPPADALPL[Pro763=]PTTPPSQELT

ClinVar aggregate classification (germline): Likely benign (1 of 4 stars; one submission).

Allele frequency attached by ClinVar (database versions not stated): 1000 Genomes Project 30x 0.00125; ESP Exome Variant Server 0.00139; 1000 Genomes Project 0.00140; gnomAD 0.00147; TOPMed 0.00163; gnomAD exomes 0.00230; ExAC 0.00324.

Submission:

CeGaT Center for Human Genetics Tuebingen
Classification: Likely benign. Last evaluated: 2023-10-01. Review status: criteria provided, single submitter. Criteria: CeGaT Center For Human Genetics Tuebingen Variant Classification Criteria Version 2. Collection method: clinical testing. Allele origin: germline. Affected: yes. Observed: 1 variant allele.
Comment: TAF1C: BP4, BP7